The following is an entry in ClinVar:

ClinVar aggregate classification (germline): Uncertain significance (1 of 4 stars; one submission).

Conditions:
Oto-palato-digital syndrome, type II (OPD2). Also called: FACIOPALATOOSSEOUS SYNDROME; OPD II SYNDROME; Otopalatodigital Syndrome, Type II; Otopalatodigital Syndrome Type 2 (FLNA-OPD2). Identifiers: Orphanet 669, Orphanet 90652, MedGen C1844696, MONDO:0010571, OMIM 304120.
Heterotopia, periventricular, X-linked dominant (PVNH1). Also called: PERIVENTRICULAR NODULAR HETEROTOPIA 1; X-linked periventricular heterotopia; PERIVENTRICULAR NODULAR HETEROTOPIA 4; HETEROTOPIA, PERIVENTRICULAR, 1. Identifiers: Orphanet 2149, Orphanet 82004, MedGen C1848213, MONDO:0010233, OMIM 300049.
Frontometaphyseal dysplasia (FMD1). Identifiers: Orphanet 1826, MedGen C0265293, MONDO:0015942.
Melnick-Needles syndrome (MNS). Also called: MELNICK-NEEDLES OSTEODYSPLASTY; OSTEODYSPLASTY OF MELNICK AND NEEDLES; Melnick-Needles Syndrome (FLNA-MNS). Identifiers: Orphanet 2484, MedGen C0025237, MONDO:0010650, OMIM 309350.

Submission:

Labcorp Genetics (formerly Invitae), Labcorp
Classification: Uncertain significance for Oto-palato-digital syndrome, type II; Heterotopia, periventricular, X-linked dominant; Frontometaphyseal dysplasia; Melnick-Needles syndrome. Last evaluated: 2023-01-17. Review status: criteria provided, single submitter. Criteria: Invitae Variant Classification Sherloc (09022015). Collection method: clinical testing. Allele origin: germline.
Comment: This sequence change replaces leucine, which is neutral and non-polar, with serine, which is neutral and polar, at codon 1990 of the FLNA protein (p.Leu1990Ser). In summary, the available evidence is currently insufficient to determine the role of this variant in disease. Therefore, it has been classified as a Variant of Uncertain Significance. Advanced modeling of protein sequence and biophysical properties (such as structural, functional, and spatial information, amino acid conservation, physicochemical variation, residue mobility, and thermodynamic stability) performed at Invitae indicates that this missense variant is not expected to disrupt FLNA protein function. This variant has not been reported in the literature in individuals affected with FLNA-related conditions. This variant is not present in population databases (gnomAD no frequency).

NM_001110556.2(FLNA):c.5993T>C (p.Leu1998Ser)

Gene: FLNA (filamin A; minus strand). Cytogenetic location: Xq28.
Variant type: single nucleotide variant.
Coding change: c.5993T>C on transcript NM_001110556.2 (MANE Select); coding-DNA position 5993, T replaced by C.
Protein change: p.Leu1998Ser; replaces leucine 1998 with serine.
Molecular consequence: missense variant.
Genome position (GRCh38, 1-based): chrX:154,353,325, A>G on the plus strand (T>C on the coding strand, the complement: FLNA is on the minus strand). VCF-style: chrX-154353325-A-G. GRCh37 (hg19) VCF-style: chrX-153581693-A-G.
Other names: c.5969T>C, p.Leu1990Ser (NM_001456.4); short protein forms L1998S, L1990S.
Identifiers: ClinVar variation 2943356 (VCV002943356.3), dbSNP rs2522723860, ClinGen allele CA415197181.